The following is an entry in ClinVar:

ClinVar aggregate classification (germline): Uncertain significance (1 of 4 stars; one submission).

Conditions:
Myopathy, proximal, and ophthalmoplegia (CMYO6). Also called: MYOPATHY WITH CONGENITAL JOINT CONTRACTURES, OPHTHALMOPLEGIA, AND RIMMED VACUOLES; INCLUSION BODY MYOPATHY 3, AUTOSOMAL DOMINANT; CONGENITAL MYOPATHY 6 WITH OPHTHALMOPLEGIA. Identifiers: Orphanet 363677, Orphanet 79091, MedGen C1854106, MONDO:0011577, OMIM 605637.

Submission:

Labcorp Genetics (formerly Invitae), Labcorp
Classification: Uncertain significance for Myopathy, proximal, and ophthalmoplegia. Last evaluated: 2025-04-23. Review status: criteria provided, single submitter. Criteria: Invitae Variant Classification Sherloc (09022015). Collection method: clinical testing. Allele origin: germline.
Comment: This sequence change replaces lysine, which is basic and polar, with glutamine, which is neutral and polar, at codon 1657 of the MYH2 protein (p.Lys1657Gln). This variant is not present in population databases (gnomAD no frequency). This variant has not been reported in the literature in individuals affected with MYH2-related conditions. An algorithm developed to predict the effect of missense changes on protein structure and function (PolyPhen-2) suggests that this variant is likely to be disruptive. In summary, the available evidence is currently insufficient to determine the role of this variant in disease. Therefore, it has been classified as a Variant of Uncertain Significance.

NM_017534.6(MYH2):c.4969A>C (p.Lys1657Gln)

Genes: MYHAS (myosin heavy chain gene cluster antisense RNA; plus strand), MYH2 (myosin heavy chain 2; minus strand), LOC126862500 (BRD4-independent group 4 enhancer GRCh37_chr17:10427829-10429028; plus strand). Cytogenetic location: 17p13.1.
Variant type: single nucleotide variant.
Coding change: c.4969A>C on transcript NM_017534.6 (MANE Select); coding-DNA position 4969, A replaced by C.
Protein change: p.Lys1657Gln; replaces lysine 1657 with glutamine.
Molecular consequence: missense variant.
Genome position (GRCh38, 1-based): chr17:10,524,759, T>G on the plus strand (A>C on the coding strand, the complement: MYH2 is on the minus strand). VCF-style: chr17-10524759-T-G. GRCh37 (hg19) VCF-style: chr17-10428076-T-G.
Other names: c.4969A>C, p.Lys1657Gln (NM_001100112.2); short protein forms K1657Q.
Identifiers: ClinVar variation 4718237 (VCV004718237.1).